The following is an entry in ClinVar:

NM_021076.4(NEFH):c.2376G>C (p.Glu792Asp)

Gene: NEFH (neurofilament heavy chain; plus strand). Cytogenetic location: 22q12.2.
Variant type: single nucleotide variant.
Coding change: c.2376G>C on transcript NM_021076.4 (MANE Select); coding-DNA position 2376, G replaced by C.
Protein change: p.Glu792Asp; replaces glutamic acid 792 with aspartic acid.
Molecular consequence: missense variant.
Genome position (GRCh38, 1-based): chr22:29,490,016, G>C. VCF-style: chr22-29490016-G-C. GRCh37 (hg19) VCF-style: chr22-29886005-G-C.
Other names: short protein forms E792D.
Identifiers: ClinVar variation 2728485 (VCV002728485.3), dbSNP rs112505268, ClinGen allele CA10174413.

ClinVar aggregate classification (germline): Uncertain significance (1 of 4 stars; one submission).

Allele frequency attached by ClinVar (database versions not stated): gnomAD exomes 0.00001; ExAC 0.00002; TOPMed 0.00004; ESP Exome Variant Server 0.00008; gnomAD 0.00009; 1000 Genomes Project 30x 0.00016; 1000 Genomes Project 0.00020.
gnomAD v4.1: 31 of 1,613,428 alleles (0.0019%); highest among the groups gnomAD compares: African/African-American, 0.029%; no homozygotes.

Submission:

Labcorp Genetics (formerly Invitae), Labcorp
Classification: Uncertain significance. Last evaluated: 2023-08-10. Review status: criteria provided, single submitter. Criteria: Invitae Variant Classification Sherloc (09022015). Collection method: clinical testing. Allele origin: germline.
Comment: In summary, the available evidence is currently insufficient to determine the role of this variant in disease. Therefore, it has been classified as a Variant of Uncertain Significance. Advanced modeling of protein sequence and biophysical properties (such as structural, functional, and spatial information, amino acid conservation, physicochemical variation, residue mobility, and thermodynamic stability) performed at Invitae indicates that this missense variant is not expected to disrupt NEFH protein function. This variant has not been reported in the literature in individuals affected with NEFH-related conditions. This variant is present in population databases (rs112505268, gnomAD 0.02%). This sequence change replaces glutamic acid, which is acidic and polar, with aspartic acid, which is acidic and polar, at codon 792 of the NEFH protein (p.Glu792Asp).